The following is an entry in ClinVar:

ClinVar aggregate classification (germline): Uncertain significance. Review status: criteria provided, multiple submitters, no conflicts (2 of 4 stars). 3 submissions from 3 submitters: Uncertain significance (2). 1 of the submissions does not count toward it. Last evaluated 2024-10-06.

Conditions:
Niemann-Pick disease, type C1. Also called: NEUROVISCERAL STORAGE DISEASE WITH VERTICAL SUPRANUCLEAR OPHTHALMOPLEGIA; NIEMANN-PICK DISEASE WITH CHOLESTEROL ESTERIFICATION BLOCK; NIEMANN-PICK DISEASE WITHOUT SPHINGOMYELINASE DEFICIENCY; NIEMANN-PICK DISEASE, CHRONIC NEURONOPATHIC FORM; NIEMANN-PICK DISEASE, VARIANT TYPE C1. Identifiers: Orphanet 646, MedGen C3179455, MONDO:0009757, OMIM 257220.

Allele frequency attached by ClinVar (database versions not stated): gnomAD exomes below 0.00001 and 0.00001; ExAC 0.00001; TOPMed 0.00001.
gnomAD v4.1: 17 of 1,614,152 alleles (0.0011%); highest among the groups gnomAD compares: Non-Finnish European, 0.0013%; no homozygotes.

Submissions (3):

Labcorp Genetics (formerly Invitae), Labcorp
Classification: Uncertain significance for Niemann-Pick disease, type C1. Last evaluated: 2024-10-06. Review status: criteria provided, single submitter. Criteria: Invitae Variant Classification Sherloc (09022015). Collection method: clinical testing. Allele origin: germline.
Comment: This sequence change replaces alanine, which is neutral and non-polar, with valine, which is neutral and non-polar, at codon 885 of the NPC1 protein (p.Ala885Val). This variant is present in population databases (rs769193340, gnomAD 0.0009%). This variant has not been reported in the literature in individuals affected with NPC1-related conditions. ClinVar contains an entry for this variant (Variation ID: 838284). Invitae Evidence Modeling of protein sequence and biophysical properties (such as structural, functional, and spatial information, amino acid conservation, physicochemical variation, residue mobility, and thermodynamic stability) indicates that this missense variant is not expected to disrupt NPC1 protein function with a negative predictive value of 95%. In summary, the available evidence is currently insufficient to determine the role of this variant in disease. Therefore, it has been classified as a Variant of Uncertain Significance.

Department of Pathology and Laboratory Medicine, Sinai Health System
Classification: Uncertain significance for Niemann-Pick disease, type C1. Last evaluated: 2022-08-15. Review status: criteria provided, single submitter. Criteria: ACMG Guidelines, 2015. Collection method: research. Allele origin: germline.

Natera, Inc.
Classification: Uncertain significance for Niemann-Pick disease type C1. Last evaluated: 2021-05-27. Review status: no assertion criteria provided. Collection method: clinical testing. Allele origin: germline. Not counted in ClinVar's aggregate classification.

NM_000271.5(NPC1):c.2654C>T (p.Ala885Val)

Gene: NPC1 (NPC intracellular cholesterol transporter 1; minus strand). Cytogenetic location: 18q11.2.
Variant type: single nucleotide variant.
Coding change: c.2654C>T on transcript NM_000271.5 (MANE Select); coding-DNA position 2654, C replaced by T.
Protein change: p.Ala885Val; replaces alanine 885 with valine.
Molecular consequence: missense variant.
Genome position (GRCh38, 1-based): chr18:23,539,952, G>A on the plus strand (C>T on the coding strand, the complement: NPC1 is on the minus strand). VCF-style: chr18-23539952-G-A. GRCh37 (hg19) VCF-style: chr18-21119916-G-A.
Other names: short protein forms A885V.
Identifiers: ClinVar variation 838284 (VCV000838284.11), dbSNP rs769193340, ClinGen allele CA8913007.